The following is an entry in ClinVar:

NM_016042.4(EXOSC3):c.626+245A>C

Gene: EXOSC3 (exosome component 3; minus strand). Cytogenetic location: 9p13.2.
Variant type: single nucleotide variant.
Coding change: c.626+245A>C on transcript NM_016042.4 (MANE Select); 245 bases into the intron after coding-DNA position 626, A replaced by C.
Molecular consequence: intron variant.
Genome position (GRCh38, 1-based): chr9:37,781,741, T>G on the plus strand (A>C on the coding strand, the complement: EXOSC3 is on the minus strand). VCF-style: chr9-37781741-T-G. GRCh37 (hg19) VCF-style: chr9-37781738-T-G.
Other names: c.475-861A>C (NM_001002269.2).
Identifiers: ClinVar variation 677530 (VCV000677530.2), dbSNP rs7868743, ClinGen allele CA192952442.

ClinVar aggregate classification (germline): Likely benign. Review status: criteria provided, multiple submitters, no conflicts (2 of 4 stars). 2 submissions from 2 submitters: Likely benign (2). Last evaluated 2018-06-14.

Allele frequency attached by ClinVar (database versions not stated): gnomAD 0.01379 and 0.01410; 1000 Genomes Project 30x 0.01624; TOPMed 0.01627; 1000 Genomes Project 0.01737.
gnomAD v4.1: 7,823 of 464,608 alleles (1.7%); highest among the groups gnomAD compares: East Asian, 3.9%; 110 homozygotes.

Submissions (2):

GeneDx
Classification: Likely benign. Last evaluated: 2018-06-14. Review status: criteria provided, single submitter. Criteria: GeneDx Variant Classification (06012015). Collection method: clinical testing. Allele origin: germline. Affected: yes.
Comment: This variant is considered likely benign or benign based on one or more of the following criteria: it is a conservative change, it occurs at a poorly conserved position in the protein, it is predicted to be benign by multiple in silico algorithms, and/or has population frequency not consistent with disease.

Breakthrough Genomics
Classification: Likely benign. Review status: criteria provided, single submitter. Criteria: ACMG Guidelines, 2015. Collection method: not provided. Allele origin: germline. Inheritance: Autosomal recessive inheritance. Affected: yes.